The following is an entry in ClinVar:

NM_006796.3(AFG3L2):c.1616C>A (p.Ser539Tyr)

Gene: AFG3L2 (AFG3 like matrix AAA peptidase subunit 2; minus strand). Cytogenetic location: 18p11.21.
Variant type: single nucleotide variant.
Coding change: c.1616C>A on transcript NM_006796.3 (MANE Select); coding-DNA position 1616, C replaced by A.
Protein change: p.Ser539Tyr; replaces serine 539 with tyrosine.
Molecular consequence: missense variant.
Genome position (GRCh38, 1-based): chr18:12,348,320, G>T on the plus strand (C>A on the coding strand, the complement: AFG3L2 is on the minus strand). VCF-style: chr18-12348320-G-T. GRCh37 (hg19) VCF-style: chr18-12348319-G-T.
Other names: p.Ser539Tyr; short protein forms S539Y.
Identifiers: ClinVar variation 1208526 (VCV001208526.41), dbSNP rs756205069, ClinGen allele CA8896451.

ClinVar aggregate classification (germline): Conflicting classifications of pathogenicity. Review status: criteria provided, conflicting classifications (1 of 4 stars). 6 submissions from 6 submitters: Uncertain significance (5); Likely benign (1). Last evaluated 2025-11-01.

Conditions:
Inborn genetic diseases. Identifiers: MedGen C0950123, MeSH D030342.

Allele frequency attached by ClinVar (database versions not stated): ExAC 0.00002; gnomAD exomes 0.00002; gnomAD 0.00004.
gnomAD v4.1: 41 of 1,613,932 alleles (0.0025%); highest among the groups gnomAD compares: African/African-American, 0.0053%; no homozygotes.

Submissions (6):

CeGaT Center for Human Genetics Tuebingen
Classification: Likely benign. Last evaluated: 2025-11-01. Review status: criteria provided, single submitter. Criteria: CeGaT Center For Human Genetics Tuebingen Variant Classification Criteria Version 2. Collection method: clinical testing. Allele origin: germline. Affected: yes. Observed: 2 variant alleles.
Comment: AFG3L2: PM2, BS2

Mayo Clinic Laboratories, Mayo Clinic
Classification: Uncertain significance. Last evaluated: 2024-01-30. Review status: criteria provided, single submitter. Criteria: ACMG Guidelines, 2015. Collection method: clinical testing. Allele origin: germline. Observed: 1 variant allele.
Comment: BP4

Athena Diagnostics
Classification: Uncertain significance. Last evaluated: 2023-11-13. Review status: criteria provided, single submitter. Criteria: Athena Diagnostics Criteria. Collection method: clinical testing. Allele origin: unknown.
Comment: Available data are insufficient to determine the clinical significance of the variant at this time. The frequency of this variant in the general population is uninformative in assessment of its pathogenicity. Computational tools predict that this variant is not damaging.

Ambry Genetics
Classification: Uncertain significance for Inborn genetic diseases. Last evaluated: 2023-05-05. Review status: criteria provided, single submitter. Criteria: Ambry Variant Classification Scheme 2023. Collection method: clinical testing. Allele origin: germline.

Labcorp Genetics (formerly Invitae), Labcorp
Classification: Uncertain significance. Last evaluated: 2022-02-20. Review status: criteria provided, single submitter. Criteria: Invitae Variant Classification Sherloc (09022015). Collection method: clinical testing. Allele origin: germline.
Comment: This sequence change replaces serine, which is neutral and polar, with tyrosine, which is neutral and polar, at codon 539 of the AFG3L2 protein (p.Ser539Tyr). This variant is present in population databases (rs756205069, gnomAD 0.004%). This variant has not been reported in the literature in individuals affected with AFG3L2-related conditions. ClinVar contains an entry for this variant (Variation ID: 1208526). Advanced modeling of protein sequence and biophysical properties (such as structural, functional, and spatial information, amino acid conservation, physicochemical variation, residue mobility, and thermodynamic stability) performed at Invitae indicates that this missense variant is not expected to disrupt AFG3L2 protein function. In summary, the available evidence is currently insufficient to determine the role of this variant in disease. Therefore, it has been classified as a Variant of Uncertain Significance.

GeneDx
Classification: Uncertain significance. Last evaluated: 2020-09-15. Review status: criteria provided, single submitter. Criteria: GeneDx Variant Classification Process June 2021. Collection method: clinical testing. Allele origin: germline. Affected: yes.
Comment: Not observed at a significant frequency in large population cohorts (Lek et al., 2016); In silico analysis supports that this missense variant has a deleterious effect on protein structure/function; Has not been previously published as pathogenic or benign to our knowledge